The following is an entry in ClinVar:

ClinVar aggregate classification (germline): Benign. Review status: criteria provided, multiple submitters, no conflicts (2 of 4 stars). 8 submissions from 8 submitters: Benign (8). Last evaluated 2026-02-02.

Conditions:
Autosomal recessive nonsyndromic hearing loss 30. Identifiers: Orphanet 90636, MedGen C1846784, MONDO:0011774, OMIM 607101.

Allele frequency attached by ClinVar (database versions not stated): 1000 Genomes Project 0.08766; 1000 Genomes Project 30x 0.09119; gnomAD exomes 0.09254 and 0.10858; ExAC 0.09708; gnomAD 0.12345 and 0.12937; TOPMed 0.12454; ESP Exome Variant Server 0.13624.
gnomAD v4.1: 176,763 of 1,610,790 alleles (11%); highest among the groups gnomAD compares: African/African-American, 17%; 10,752 homozygotes.

Submissions (8):

Labcorp Genetics (formerly Invitae), Labcorp
Classification: Benign. Last evaluated: 2026-02-02. Review status: criteria provided, single submitter. Criteria: Invitae Variant Classification Sherloc (09022015). Collection method: clinical testing. Allele origin: germline.

Blueprint Genetics
Classification: Benign. Last evaluated: 2024-11-27. Review status: criteria provided, single submitter. Criteria: ACMG Guidelines, 2015. Collection method: clinical testing. Allele origin: germline.

Mayo Clinic Laboratories, Mayo Clinic
Classification: Benign. Last evaluated: 2021-02-19. Review status: criteria provided, single submitter. Criteria: ACMG Guidelines, 2015. Collection method: clinical testing. Allele origin: germline. Observed: 37 variant alleles.

Illumina Laboratory Services, Illumina
Classification: Benign for Autosomal recessive nonsyndromic hearing loss 30. Last evaluated: 2019-02-27. Review status: criteria provided, single submitter. Criteria: ICSL Variant Classification Criteria 13 December 2019. Collection method: clinical testing. Allele origin: germline.
Comment: This variant was observed in the ICSL laboratory as part of a predisposition screen in an ostensibly healthy population. It had not been previously curated by ICSL or reported in the Human Gene Mutation Database (HGMD: prior to June 1st, 2018), and was therefore a candidate for classification through an automated scoring system. Utilizing variant allele frequency, disease prevalence and penetrance estimates, and inheritance mode, an automated score was calculated to assess if this variant is too frequent to cause the disease. Based on the score and internal cut-off values, a variant classified as benign is not then subjected to further curation. The score for this variant resulted in a classification of benign for this disease.

GeneDx
Classification: Benign. Last evaluated: 2017-05-09. Review status: criteria provided, single submitter. Criteria: GeneDx Variant Classification (06012015). Collection method: clinical testing. Allele origin: germline. Affected: yes.
Comment: This variant is considered likely benign or benign based on one or more of the following criteria: it is a conservative change, it occurs at a poorly conserved position in the protein, it is predicted to be benign by multiple in silico algorithms, and/or has population frequency not consistent with disease.

Laboratory for Molecular Medicine, Mass General Brigham Personalized Medicine
Classification: Benign. Last evaluated: 2012-05-07. Review status: criteria provided, single submitter. Criteria: LMM Criteria. Collection method: clinical testing. Allele origin: germline. Observed: 298 variant alleles.
Comment: 3112-4T>C in Intron 27 of MYO3A: This variant is not expected to have clinical s ignificance because it is not located within the conserved splice consensus sequ ence and has been identified in 17.3% (647/3738) of African American chromosomes from a broad population by the NHLBI Exome Sequencing Project (dbSNP rs16926628).

Breakthrough Genomics
Classification: Benign. Review status: criteria provided, single submitter. Criteria: ACMG Guidelines, 2015. Collection method: not provided. Allele origin: germline. Inheritance: Autosomal recessive inheritance. Affected: yes.

PreventionGenetics, part of Exact Sciences
Classification: Benign. Review status: criteria provided, single submitter. Criteria: ACMG Guidelines, 2015. Collection method: clinical testing. Allele origin: germline.

NM_017433.5(MYO3A):c.3112-4T>C

Gene: MYO3A (myosin IIIA; plus strand). Cytogenetic location: 10p12.1.
Variant type: single nucleotide variant.
Coding change: c.3112-4T>C on transcript NM_017433.5 (MANE Select); 4 bases into the intron before coding-DNA position 3112, T replaced by C.
Molecular consequence: intron variant.
Genome position (GRCh38, 1-based): chr10:26,168,708, T>C. VCF-style: chr10-26168708-T-C. GRCh37 (hg19) VCF-style: chr10-26457637-T-C.
Other names: p.?.
Identifiers: ClinVar variation 45807 (VCV000045807.20), dbSNP rs16926628, ClinGen allele CA137076.
Genomic context (GRCh38, chr10:26,168,708, plus strand): 5'-CACAGCACATAACTGCTTCACATCTGTGTGCCATGGTTCTTTGTATTATATTTTAATTTT[T>C]CAGGTGTTCCTTAAGTATTATCACGTGGAGCAGTTAAATCTAATGCGAAAGGAAGCTATT-3'